The following is an entry in ClinVar:

ClinVar aggregate classification (germline): Likely benign (1 of 4 stars; one submission).

Conditions:
CYP7B1-related disorder. Also called: CYP7B1-related condition.

Submission:

PreventionGenetics, part of Exact Sciences
Classification: Likely benign for CYP7B1-related condition. Last evaluated: 2025-01-16. Review status: criteria provided, single submitter. Criteria: ACMG Guidelines, 2015. Collection method: clinical testing. Allele origin: germline.
Comment: This variant is classified as likely benign based on ACMG/AMP sequence variant interpretation guidelines (Richards et al. 2015 PMID: 25741868, with internal and published modifications).

NM_004820.5(CYP7B1):c.288C>T (p.Pro96=)

Gene: CYP7B1 (cytochrome P450 family 7 subfamily B member 1; minus strand). Cytogenetic location: 8q12.3.
Variant type: single nucleotide variant.
Coding change: c.288C>T on transcript NM_004820.5 (MANE Select); coding-DNA position 288, C replaced by T.
Protein change: p.Pro96=; no amino-acid change (proline 96 retained).
Molecular consequence: synonymous variant.
Genome position (GRCh38, 1-based): chr8:64,616,253, G>A on the plus strand (C>T on the coding strand, the complement: CYP7B1 is on the minus strand). VCF-style: chr8-64616253-G-A. GRCh37 (hg19) VCF-style: chr8-65528810-G-A.
Other names: c.288C>T, p.Pro96= (NM_001324112.2).
Identifiers: ClinVar variation 4997840 (VCV004997840.1).